The following is an entry in ClinVar:

NM_021098.3(CACNA1H):c.804-70A>G

Gene: CACNA1H (calcium voltage-gated channel subunit alpha1 H; plus strand). Cytogenetic location: 16p13.3.
Variant type: single nucleotide variant.
Coding change: c.804-70A>G on transcript NM_021098.3 (MANE Select); 70 bases into the intron before coding-DNA position 804, A replaced by G.
Molecular consequence: intron variant.
Genome position (GRCh38, 1-based): chr16:1,200,186, A>G. VCF-style: chr16-1200186-A-G. GRCh37 (hg19) VCF-style: chr16-1250186-A-G.
Other names: c.804-70A>G (NM_001005407.2).
Identifiers: ClinVar variation 1683838 (VCV001683838.2), dbSNP rs114858281, ClinGen allele CA276645465.

ClinVar aggregate classification (germline): Likely benign (1 of 4 stars; one submission).

Allele frequency attached by ClinVar (database versions not stated): gnomAD exomes 0.00030; 1000 Genomes Project 30x 0.00344; gnomAD 0.00356 and 0.00386; 1000 Genomes Project 0.00359; TOPMed 0.00408.

Submission:

GeneDx
Classification: Likely benign. Last evaluated: 2021-10-27. Review status: criteria provided, single submitter. Criteria: GeneDx Variant Classification Process June 2021. Collection method: clinical testing. Allele origin: germline. Affected: yes.
Comment: See Variant Classification Assertion Criteria.